The following is an entry in ClinVar:

ClinVar aggregate classification (germline): Uncertain significance (1 of 4 stars; one submission).

Conditions:
BODY MASS INDEX QUANTITATIVE TRAIT LOCUS 20 (BMIQ20). Also called: MELANOCORTIN 4 RECEPTOR DEFICIENCY; MC4R DEFICIENCY. Identifiers: MedGen C4759928, OMIM 618406.

Submission:

Institute of Human Genetics, University of Leipzig Medical Center
Classification: Uncertain significance for BODY MASS INDEX QUANTITATIVE TRAIT LOCUS 20. Last evaluated: 2024-12-05. Review status: criteria provided, single submitter. Criteria: ACMG Guidelines, 2015. Collection method: clinical testing. Allele origin: unknown. Inheritance: Autosomal dominant inheritance. Affected: yes.
Comment: Criteria applied: PM1_SUP,PM2_SUP

NM_005912.3(MC4R):c.517A>G (p.Ile173Val)

Gene: MC4R (melanocortin 4 receptor; minus strand). Cytogenetic location: 18q21.32.
Variant type: single nucleotide variant.
Coding change: c.517A>G on transcript NM_005912.3 (MANE Select); coding-DNA position 517, A replaced by G.
Protein change: p.Ile173Val; replaces isoleucine 173 with valine.
Molecular consequence: missense variant.
Genome position (GRCh38, 1-based): chr18:60,371,833, T>C on the plus strand (A>G on the coding strand, the complement: MC4R is on the minus strand). VCF-style: chr18-60371833-T-C. GRCh37 (hg19) VCF-style: chr18-58039066-T-C.
Other names: short protein forms I173V.
Identifiers: ClinVar variation 3572877 (VCV003572877.2).